The following is an entry in ClinVar:

NM_002519.3(NPAT):c.2158A>G (p.Thr720Ala)

Gene: NPAT (nuclear protein, coactivator of histone transcription; minus strand). Cytogenetic location: 11q22.3.
Variant type: single nucleotide variant.
Coding change: c.2158A>G on transcript NM_002519.3 (MANE Select); coding-DNA position 2158, A replaced by G.
Protein change: p.Thr720Ala; replaces threonine 720 with alanine.
Molecular consequence: missense variant.
Genome position (GRCh38, 1-based): chr11:108,172,826, T>C on the plus strand (A>G on the coding strand, the complement: NPAT is on the minus strand). VCF-style: chr11-108172826-T-C. GRCh37 (hg19) VCF-style: chr11-108043553-T-C.
Other names: c.2158A>G, p.Thr720Ala (NM_001321307.1); short protein forms T720A.
Identifiers: ClinVar variation 2453810 (VCV002453810.2), dbSNP rs2077966300, ClinGen allele CA382513567.

ClinVar aggregate classification (germline): Uncertain significance (1 of 4 stars; one submission).

Allele frequency attached by ClinVar (database versions not stated): TOPMed below 0.00001.
gnomAD v4.1: 1 of 1,613,858 alleles (0.000062%); highest among the groups gnomAD compares: Non-Finnish European, 0.000085%; no homozygotes.

Submission:

Ambry Genetics
Classification: Uncertain significance. Last evaluated: 2023-03-02. Review status: criteria provided, single submitter. Criteria: Ambry Variant Classification Scheme 2023. Collection method: clinical testing. Allele origin: germline.
Comment: The p.T720A variant (also known as c.2158A>G), located in coding exon 13 of the NPAT gene, results from an A to G substitution at nucleotide position 2158. The threonine at codon 720 is replaced by alanine, an amino acid with similar properties. This amino acid position is conserved. In addition, this alteration is predicted to be tolerated by in silico analysis. Since supporting evidence is limited at this time, the clinical significance of this alteration remains unclear.